The following is an entry in ClinVar:

NM_002350.4(LYN):c.288T>G (p.His96Gln)

Gene: LYN (LYN proto-oncogene, Src family tyrosine kinase; plus strand). Cytogenetic location: 8q12.1.
Variant type: single nucleotide variant.
Coding change: c.288T>G on transcript NM_002350.4 (MANE Select); coding-DNA position 288, T replaced by G.
Protein change: p.His96Gln; replaces histidine 96 with glutamine.
Molecular consequence: missense variant.
Genome position (GRCh38, 1-based): chr8:55,950,462, T>G. VCF-style: chr8-55950462-T-G. GRCh37 (hg19) VCF-style: chr8-56863021-T-G.
Other names: c.225T>G, p.His75Gln (NM_001111097.3); short protein forms H75Q, H96Q.
Identifiers: ClinVar variation 1401878 (VCV001401878.9), dbSNP rs775941123, ClinGen allele CA4753990.
Genomic context (GRCh38, chr8:55,950,462, plus strand): 5'-TACATGCATGGAGTATGTAATCTTTTAGCTTCTTTTTGATGTGTATTTCTATTCTAGGCA[T>G]GGAGAATGGTGGAAAGCAAAGTCCCTTTTAACAAAAAAAGAAGGCTTCATCCCCAGCAAC-3'
Protein context (NP_002341.1, residues 86-106): KGEKMKVLEE[His96Gln]GEWWKAKSLL

ClinVar aggregate classification (germline): Uncertain significance (1 of 4 stars; one submission).

Allele frequency attached by ClinVar (database versions not stated): ExAC 0.00001; TOPMed 0.00002; gnomAD exomes 0.00003 and 0.00004.
gnomAD v4.1: 54 of 1,608,166 alleles (0.0034%); highest among the groups gnomAD compares: Non-Finnish European, 0.0044%; no homozygotes.

Submission:

Labcorp Genetics (formerly Invitae), Labcorp
Classification: Uncertain significance. Last evaluated: 2025-06-04. Review status: criteria provided, single submitter. Criteria: Invitae Variant Classification Sherloc (09022015). Collection method: clinical testing. Allele origin: germline.
Comment: This sequence change replaces histidine, which is basic and polar, with glutamine, which is neutral and polar, at codon 96 of the LYN protein (p.His96Gln). This variant is present in population databases (rs775941123, gnomAD 0.005%). This variant has not been reported in the literature in individuals affected with LYN-related conditions. ClinVar contains an entry for this variant (Variation ID: 1401878). An algorithm developed to predict the effect of missense changes on protein structure and function outputs the following: PolyPhen-2: "Benign". The glutamine amino acid residue is found in multiple mammalian species, which suggests that this missense change does not adversely affect protein function. In summary, the available evidence is currently insufficient to determine the role of this variant in disease. Therefore, it has been classified as a Variant of Uncertain Significance.